The following is an entry in ClinVar:

NM_006204.4(PDE6C):c.2512G>A (p.Glu838Lys)

Gene: PDE6C (phosphodiesterase 6C; plus strand). Cytogenetic location: 10q23.33.
Variant type: single nucleotide variant.
Coding change: c.2512G>A on transcript NM_006204.4 (MANE Select); coding-DNA position 2512, G replaced by A.
Protein change: p.Glu838Lys; replaces glutamic acid 838 with lysine.
Molecular consequence: missense variant.
Genome position (GRCh38, 1-based): chr10:93,663,172, G>A. VCF-style: chr10-93663172-G-A. GRCh37 (hg19) VCF-style: chr10-95422929-G-A.
Other names: short protein forms E838K.
Identifiers: ClinVar variation 301644 (VCV000301644.14), dbSNP rs777275171, ClinGen allele CA5610516.

ClinVar aggregate classification (germline): Uncertain significance. Review status: criteria provided, multiple submitters, no conflicts (2 of 4 stars). 6 submissions from 5 submitters: Uncertain significance (5). 1 of the submissions does not count toward it. Last evaluated 2025-09-10.

Conditions:
Retinal dystrophy. Also called: Inherited retinal dystrophy. Identifiers: Orphanet 71862, MedGen C0854723, MeSH D058499, MONDO:0019118, HP:0000556.
Cone dystrophy 4 (COD4). Identifiers: Orphanet 49382, MedGen C2751308, MONDO:0013129, OMIM 613093.
Achromatopsia. Also called: Rod monochromatism. Identifiers: Orphanet 49382, MedGen C0152200, MONDO:0018852, HP:0011516.
Inborn genetic diseases. Identifiers: MedGen C0950123, MeSH D030342.

Allele frequency attached by ClinVar (database versions not stated): gnomAD 0.00001 and 0.00002; ExAC 0.00006; TOPMed 0.00006; gnomAD exomes 0.00009.
gnomAD v4.1: 112 of 1,613,064 alleles (0.0069%); highest among the groups gnomAD compares: Middle Eastern, 0.033%; no homozygotes.

Submissions (6):

Ambry Genetics
Classification: Uncertain significance for Inborn genetic diseases. Last evaluated: 2025-09-10. Review status: criteria provided, single submitter. Criteria: Ambry Variant Classification Scheme 2023. Collection method: clinical testing. Allele origin: germline.

Blueprint Genetics
Classification: Uncertain significance. Last evaluated: 2024-11-25. Review status: criteria provided, single submitter. Criteria: ACMG Guidelines, 2015. Collection method: clinical testing. Allele origin: germline.

Labcorp Genetics (formerly Invitae), Labcorp
Classification: Uncertain significance. Last evaluated: 2024-09-04. Review status: criteria provided, single submitter. Criteria: Invitae Variant Classification Sherloc (09022015). Collection method: clinical testing. Allele origin: germline.
Comment: This sequence change replaces glutamic acid, which is acidic and polar, with lysine, which is basic and polar, at codon 838 of the PDE6C protein (p.Glu838Lys). This variant is present in population databases (rs777275171, gnomAD 0.01%). This variant has not been reported in the literature in individuals affected with PDE6C-related conditions. ClinVar contains an entry for this variant (Variation ID: 301644). An algorithm developed to predict the effect of missense changes on protein structure and function outputs the following: PolyPhen-2: "Benign". The lysine amino acid residue is found in multiple mammalian species, which suggests that this missense change does not adversely affect protein function. In summary, the available evidence is currently insufficient to determine the role of this variant in disease. Therefore, it has been classified as a Variant of Uncertain Significance.

Illumina Laboratory Services, Illumina
Classification: Uncertain significance for Cone dystrophy 4. Last evaluated: 2018-01-12. Review status: criteria provided, single submitter. Criteria: ICSL Variant Classification Criteria 13 December 2019. Collection method: clinical testing. Allele origin: germline.

Illumina Laboratory Services, Illumina
Classification: Uncertain significance for Achromatopsia. Last evaluated: 2018-01-12. Review status: criteria provided, single submitter. Criteria: ICSL Variant Classification Criteria 13 December 2019. Collection method: clinical testing. Allele origin: germline.

Institute of Human Genetics, Univ. Regensburg, Univ. Regensburg
Classification: Uncertain significance for Retinal dystrophy. Last evaluated: 2022-01-01. Review status: no assertion criteria provided. Criteria: ACMG Guidelines, 2015. Collection method: clinical testing. Allele origin: germline. Affected: yes. Not counted in ClinVar's aggregate classification.